The following is an entry in ClinVar:

ClinVar aggregate classification (germline): Uncertain significance (1 of 4 stars; one submission).

gnomAD v4.1: 8 of 1,614,016 alleles (0.0005%); highest among the groups gnomAD compares: Non-Finnish European, 0.00068%; no homozygotes.

Submission:

Labcorp Genetics (formerly Invitae), Labcorp
Classification: Uncertain significance. Last evaluated: 2025-02-19. Review status: criteria provided, single submitter. Criteria: Invitae Variant Classification Sherloc (09022015). Collection method: clinical testing. Allele origin: germline.
Comment: This sequence change replaces glycine, which is neutral and non-polar, with aspartic acid, which is acidic and polar, at codon 618 of the KRT2 protein (p.Gly618Asp). This variant is not present in population databases (gnomAD no frequency). This variant has not been reported in the literature in individuals affected with KRT2-related conditions. Invitae Evidence Modeling of protein sequence and biophysical properties (such as structural, functional, and spatial information, amino acid conservation, physicochemical variation, residue mobility, and thermodynamic stability) indicates that this missense variant is not expected to disrupt KRT2 protein function with a negative predictive value of 95%. In summary, the available evidence is currently insufficient to determine the role of this variant in disease. Therefore, it has been classified as a Variant of Uncertain Significance.

NM_000423.3(KRT2):c.1853G>A (p.Gly618Asp)

Gene: KRT2 (keratin 2; minus strand). Cytogenetic location: 12q13.13.
Variant type: single nucleotide variant.
Coding change: c.1853G>A on transcript NM_000423.3 (MANE Select); coding-DNA position 1853, G replaced by A.
Protein change: p.Gly618Asp; replaces glycine 618 with aspartic acid.
Molecular consequence: missense variant.
Genome position (GRCh38, 1-based): chr12:52,645,086, C>T on the plus strand (G>A on the coding strand, the complement: KRT2 is on the minus strand). VCF-style: chr12-52645086-C-T. GRCh37 (hg19) VCF-style: chr12-53038870-C-T.
Other names: short protein forms G618D.
Identifiers: ClinVar variation 4709155 (VCV004709155.1).